The following is an entry in ClinVar:

NM_000719.7(CACNA1C):c.6341C>T (p.Ala2114Val)

Genes: CACNA1C (calcium voltage-gated channel subunit alpha1 C; plus strand), CACNA1C-AS1 (CACNA1C antisense RNA 1; minus strand). Cytogenetic location: 12p13.33.
Variant type: single nucleotide variant.
Coding change: c.6341C>T on transcript NM_000719.7 (MANE Select); coding-DNA position 6341, C replaced by T.
Protein change: p.Ala2114Val; replaces alanine 2114 with valine.
Molecular consequence: missense variant. On other transcripts: non-coding transcript variant (1).
Genome position (GRCh38, 1-based): chr12:2,691,123, C>T. VCF-style: chr12-2691123-C-T. GRCh37 (hg19) VCF-style: chr12-2800289-C-T.
Other names: c.6485C>T, p.Ala2162Val (NM_001129827.2); c.6464C>T, p.Ala2155Val (NM_001129829.2); c.6446C>T, p.Ala2149Val (NM_001129830.3, NM_001167624.3); c.6425C>T, p.Ala2142Val (NM_001129831.2); c.6401C>T, p.Ala2134Val (NM_001129832.2); c.6398C>T, p.Ala2133Val (NM_001129833.2, NM_001129834.2, NM_001129835.2); c.6341C>T, p.Ala2114Val (NM_001129843.2, NM_001167623.2, NM_001129840.2 and 2 more transcripts); c.6332C>T, p.Ala2111Val (NM_001129844.2); and 6 more; short protein forms A2103V, A2133V, A2162V, A2120V, A2142V, A2149V, A2174V, A2197V.
Identifiers: ClinVar variation 4769648 (VCV004769648.1).

ClinVar aggregate classification (germline): Uncertain significance (1 of 4 stars; one submission).

Conditions:
Long QT syndrome (LQTS). Identifiers: MedGen C0023976, MeSH D008133, MONDO:0002442. Disease mechanism: loss of function. Inheritance: Various modes of inheritance.

Submission:

Labcorp Genetics (formerly Invitae), Labcorp
Classification: Uncertain significance for Long QT syndrome. Last evaluated: 2026-01-28. Review status: criteria provided, single submitter. Criteria: Invitae Variant Classification Sherloc (09022015). Collection method: clinical testing. Allele origin: germline.
Comment: This sequence change replaces alanine, which is neutral and non-polar, with valine, which is neutral and non-polar, at codon 2114 of the CACNA1C protein (p.Ala2114Val). This variant is not present in population databases (gnomAD no frequency). This variant has not been reported in the literature in individuals affected with CACNA1C-related conditions. Invitae Evidence Modeling of protein sequence and biophysical properties (such as structural, functional, and spatial information, amino acid conservation, physicochemical variation, residue mobility, and thermodynamic stability) indicates that this missense variant is not expected to disrupt CACNA1C protein function with a negative predictive value of 95%. In summary, the available evidence is currently insufficient to determine the role of this variant in disease. Therefore, it has been classified as a Variant of Uncertain Significance.